The following is an entry in ClinVar:

NM_002439.5(MSH3):c.1378A>G (p.Asn460Asp)

Gene: MSH3 (mutS homolog 3; plus strand). Cytogenetic location: 5q14.1.
Variant type: single nucleotide variant.
Coding change: c.1378A>G on transcript NM_002439.5 (MANE Select); coding-DNA position 1378, A replaced by G.
Protein change: p.Asn460Asp; replaces asparagine 460 with aspartic acid.
Molecular consequence: missense variant.
Genome position (GRCh38, 1-based): chr5:80,725,490, A>G. VCF-style: chr5-80725490-A-G. GRCh37 (hg19) VCF-style: chr5-80021309-A-G.
Other names: short protein forms N460D.
Identifiers: ClinVar variation 3572209 (VCV003572209.3).
Genomic context (GRCh38, chr5:80,725,490, plus strand): 5'-GAAATTTTCCTTTTTTCTTTCAGTGTGCAGGATGACAGAATTCGAGTCGAAAGGATGGAT[A>G]ACATTTATTTTGAATACAGCCATGCTTTCCAGGCAGTTACAGAGTTTTATGCAAAAGATA-3'
Protein context (NP_002430.3, residues 450-470): DDRIRVERMD[Asn460Asp]IYFEYSHAFQ

ClinVar aggregate classification (germline): Uncertain significance. Review status: criteria provided, multiple submitters, no conflicts (2 of 4 stars). 2 submissions from 2 submitters: Uncertain significance (2). Last evaluated 2025-01-13.

gnomAD v4.1: 1 of 1,614,030 alleles (0.000062%); highest among the groups gnomAD compares: East Asian, 0.0022%; no homozygotes.

Submissions (2):

Labcorp Genetics (formerly Invitae), Labcorp
Classification: Uncertain significance. Last evaluated: 2025-01-13. Review status: criteria provided, single submitter. Criteria: Invitae Variant Classification Sherloc (09022015). Collection method: clinical testing. Allele origin: germline.
Comment: This sequence change replaces asparagine, which is neutral and polar, with aspartic acid, which is acidic and polar, at codon 460 of the MSH3 protein (p.Asn460Asp). This variant is present in population databases (rs535750004, gnomAD 0.0009%). This variant has not been reported in the literature in individuals affected with MSH3-related conditions. An algorithm developed to predict the effect of missense changes on protein structure and function outputs the following: PolyPhen-2: "Benign". The aspartic acid amino acid residue is found in multiple mammalian species, which suggests that this missense change does not adversely affect protein function. In summary, the available evidence is currently insufficient to determine the role of this variant in disease. Therefore, it has been classified as a Variant of Uncertain Significance.

Quest Diagnostics Nichols Institute San Juan Capistrano
Classification: Uncertain significance. Last evaluated: 2024-05-11. Review status: criteria provided, single submitter. Criteria: Quest Diagnostics criteria. Collection method: clinical testing. Allele origin: unknown.
Comment: The MSH3 c.1378A>G (p.Asn460Asp) variant has not been reported in individuals with MSH3-related conditions in the published literature. The frequency of this variant in the general population, 0.000008 (2/251280 chromosomes (Genome Aggregation Database)), is uninformative in the assessment of its pathogenicity. Analysis of this variant using bioinformatics tools for the prediction of the effect of amino acid changes on protein structure and function yielded predictions that this variant is benign. Based on the available information, we are unable to determine the clinical significance of this variant.